The following is an entry in ClinVar:

NM_024514.5(CYP2R1):c.219C>A (p.Tyr73Ter)

Genes: CYP2R1 (cytochrome P450 family 2 subfamily R member 1; minus strand), PDE3B (phosphodiesterase 3B; plus strand). Cytogenetic location: 11p15.2.
Variant type: single nucleotide variant.
Coding change: c.219C>A on transcript NM_024514.5 (MANE Select); coding-DNA position 219, C replaced by A.
Protein change: p.Tyr73Ter; replaces tyrosine 73 with a stop codon.
Molecular consequence: nonsense. On other transcripts: intron variant (1).
Genome position (GRCh38, 1-based): chr11:14,891,987, G>T on the plus strand (C>A on the coding strand, the complement: CYP2R1 is on the minus strand). VCF-style: chr11-14891987-G-T. GRCh37 (hg19) VCF-style: chr11-14913533-G-T.
Other names: c.-121+378C>A (NM_001400558.1); short protein forms Y73*.
Identifiers: ClinVar variation 2993511 (VCV002993511.4), dbSNP rs1306247629, ClinGen allele CA379734441.

ClinVar aggregate classification (germline): Pathogenic/Likely pathogenic. Review status: criteria provided, multiple submitters, no conflicts (2 of 4 stars). 2 submissions from 2 submitters: Pathogenic (1); Likely pathogenic (1). Last evaluated 2025-12-20.

Conditions:
Vitamin D hydroxylation-deficient rickets, type 1B. Also called: PSEUDOVITAMIN D3 DEFICIENCY RICKETS DUE TO 25-HYDROXYLASE DEFICIENCY; VITAMIN D-DEPENDENT RICKETS, TYPE 1B; Rickets due to Defect in Vitamin D 25-hydroxylation. Identifiers: Orphanet 289157, MedGen C1838657, MONDO:0010810, OMIM 600081.

Allele frequency attached by ClinVar (database versions not stated): gnomAD 0.00001.
gnomAD v4.1: 5 of 1,613,122 alleles (0.00031%); highest among the groups gnomAD compares: Admixed American, 0.0083%; no homozygotes.

Submissions (2):

Labcorp Genetics (formerly Invitae), Labcorp
Classification: Pathogenic. Last evaluated: 2025-12-20. Review status: criteria provided, single submitter. Criteria: Invitae Variant Classification Sherloc (09022015). Collection method: clinical testing. Allele origin: germline.
Comment: This sequence change creates a premature translational stop signal (p.Tyr73*) in the CYP2R1 gene. It is expected to result in an absent or disrupted protein product. Loss-of-function variants in CYP2R1 are known to be pathogenic (PMID: 15128933, 22855339, 25942481, 33715104). This variant is present in population databases (no rsID available, gnomAD 0.006%). This variant has not been reported in the literature in individuals affected with CYP2R1-related conditions. ClinVar contains an entry for this variant (Variation ID: 2993511). Algorithms developed to predict the effect of sequence changes on RNA splicing suggest that this variant may disrupt the consensus splice site. For these reasons, this variant has been classified as Pathogenic.

Fulgent Genetics
Classification: Likely pathogenic for Vitamin D hydroxylation-deficient rickets, type 1B. Last evaluated: 2024-05-18. Review status: criteria provided, single submitter. Criteria: ACMG Guidelines, 2015. Collection method: clinical testing. Allele origin: germline.

Literature cited by the submitters: PubMed 15128933 (cited by Labcorp Genetics (formerly Invitae), Labcorp); PubMed 22855339 (cited by Labcorp Genetics (formerly Invitae), Labcorp); PubMed 25942481 (cited by Labcorp Genetics (formerly Invitae), Labcorp); PubMed 33715104 (cited by Labcorp Genetics (formerly Invitae), Labcorp).